The following is an entry in ClinVar:

NM_003366.4(UQCRC2):c.361T>C (p.Tyr121His)

Genes: PDZD9 (PDZ domain containing 9), UQCRC2 (ubiquinol-cytochrome c reductase core protein 2). Cytogenetic location: 16p12.2.
Variant type: single nucleotide variant.
Coding change: c.361T>C on transcript NM_003366.4 (MANE Select); coding-DNA position 361, T replaced by C.
Protein change: p.Tyr121His; replaces tyrosine 121 with histidine.
Molecular consequence: missense variant.
Genome position (GRCh38, 1-based): chr16:21,962,488, T>C. VCF-style: chr16-21962488-T-C. GRCh37 (hg19) VCF-style: chr16-21973809-T-C.
Other names: short protein forms Y121H.
Identifiers: ClinVar variation 430295 (VCV000430295.14), dbSNP rs778618710, ClinGen allele CA7953718.
Genomic context (GRCh38, chr16:21,962,488, plus strand): 5'-GATGATTTACTCTAGTTTATTTTCCGATTCAGTGTGACCGCAACAAGGGAAAACATGGCT[T>C]ATACTGTGGAATGCCTGCGGGGTGATGTGTAAGTACCTGTGTGTGTTTAGGACTTCTGCT-3'
Protein context (NP_003357.2, residues 111-131): SVTATRENMA[Tyr121His]TVECLRGDVD

ClinVar aggregate classification (germline): Conflicting classifications of pathogenicity. Review status: criteria provided, conflicting classifications (1 of 4 stars). 5 submissions from 5 submitters: Likely pathogenic (1); Uncertain significance (4). Last evaluated 2025-12-31.

Conditions:
Mitochondrial complex III deficiency nuclear type 5. Identifiers: MedGen C3554608, MONDO:0014066, OMIM 615160.

Allele frequency attached by ClinVar (database versions not stated): gnomAD 0.00014; ExAC 0.00002; gnomAD exomes 0.00009; TOPMed 0.00012.
gnomAD v4.1: 55 of 1,614,068 alleles (0.0034%); highest among the groups gnomAD compares: Admixed American, 0.07%; no homozygotes.

Submissions (5):

GeneDx
Classification: Likely pathogenic. Last evaluated: 2025-12-31. Review status: criteria provided, single submitter. Criteria: GeneDx Variant Classification Process June 2021. Collection method: clinical testing. Allele origin: germline. Affected: yes.
Comment: In silico analysis supports that this missense variant has a deleterious effect on protein structure/function; Has not been previously published as pathogenic or benign to our knowledge

Labcorp Genetics (formerly Invitae), Labcorp
Classification: Uncertain significance. Last evaluated: 2024-05-15. Review status: criteria provided, single submitter. Criteria: Invitae Variant Classification Sherloc (09022015). Collection method: clinical testing. Allele origin: germline.
Comment: This sequence change replaces tyrosine, which is neutral and polar, with histidine, which is basic and polar, at codon 121 of the UQCRC2 protein (p.Tyr121His). This variant is present in population databases (rs778618710, gnomAD 0.06%). This missense change has been observed in individual(s) with mitochondrial complex III deficiency (external communication). ClinVar contains an entry for this variant (Variation ID: 430295). Advanced modeling of protein sequence and biophysical properties (such as structural, functional, and spatial information, amino acid conservation, physicochemical variation, residue mobility, and thermodynamic stability) performed at Invitae indicates that this missense variant is expected to disrupt UQCRC2 protein function with a positive predictive value of 80%. In summary, the available evidence is currently insufficient to determine the role of this variant in disease. Therefore, it has been classified as a Variant of Uncertain Significance.

3billion
Classification: Uncertain significance for Mitochondrial complex III deficiency nuclear type 5. Last evaluated: 2023-02-23. Review status: criteria provided, single submitter. Criteria: ACMG Guidelines, 2015. Collection method: clinical testing. Allele origin: unknown. Affected: yes.
Comment: The variant is observed at an extremely low frequency in the gnomAD v2.1.1 dataset (total allele frequency: 0.008%). Missense changes are a common disease-causing mechanism. In silico tool predictions suggest damaging effect of the variant on gene or gene product (REVEL: 0.63). However, the evidence of pathogenicity is insufficient at this time. Therefore, this variant is classified as VUS according to the recommendation of ACMG/AMP guideline.

Laboratorio de Genetica e Diagnostico Molecular, Hospital Israelita Albert Einstein
Classification: Uncertain significance for Mitochondrial complex III deficiency nuclear type 5. Last evaluated: 2022-02-08. Review status: criteria provided, single submitter. Criteria: ACMG Guidelines, 2015. Collection method: clinical testing. Allele origin: germline. Affected: yes.
Comment: ACMG classification criteria: PM2 moderate

Baylor Genetics
Classification: Uncertain significance for Mitochondrial complex III deficiency nuclear type 5. Last evaluated: 2019-03-07. Review status: criteria provided, single submitter. Criteria: ACMG Guidelines, 2015. Collection method: clinical testing. Allele origin: paternal. Affected: yes.
Comment: This variant was determined to be of uncertain significance according to ACMG Guidelines, 2015 [PMID:25741868].